The following is an entry in ClinVar:

ClinVar aggregate classification (germline): Conflicting classifications of pathogenicity. Review status: criteria provided, conflicting classifications (1 of 4 stars). 6 submissions from 6 submitters: Uncertain significance (5); Likely benign (1). Last evaluated 2025-07-03.

Conditions:
Joubert syndrome 3 (JBTS3). Also called: AHI1-related Ciliopathy. Identifiers: Orphanet 220493, MedGen C1837713, MONDO:0012078, OMIM 608629.
Joubert syndrome. Also called: JOUBERT-BOLTSHAUSER SYNDROME; Familial aplasia of the vermis. Identifiers: Orphanet 475, MedGen C5979921, MONDO:0018772.
Inborn genetic diseases. Identifiers: MedGen C0950123, MeSH D030342.

Allele frequency attached by ClinVar (database versions not stated): gnomAD below 0.00001 and 0.00003; TOPMed below 0.00001; gnomAD exomes 0.00006 and 0.00011; ExAC 0.00010.
gnomAD v4.1: 87 of 1,613,868 alleles (0.0054%); highest among the groups gnomAD compares: South Asian, 0.092%; no homozygotes.

Submissions (6):

Ambry Genetics
Classification: Uncertain significance for Inborn genetic diseases. Last evaluated: 2025-07-03. Review status: criteria provided, single submitter. Criteria: Ambry Variant Classification Scheme 2023. Collection method: clinical testing. Allele origin: germline.

Labcorp Genetics (formerly Invitae), Labcorp
Classification: Likely benign for Joubert syndrome. Last evaluated: 2024-05-09. Review status: criteria provided, single submitter. Criteria: Invitae Variant Classification Sherloc (09022015). Collection method: clinical testing. Allele origin: germline.

Fulgent Genetics
Classification: Uncertain significance for Joubert syndrome 3. Last evaluated: 2024-04-20. Review status: criteria provided, single submitter. Criteria: ACMG Guidelines, 2015. Collection method: clinical testing. Allele origin: germline.

Blueprint Genetics
Classification: Uncertain significance. Last evaluated: 2021-12-29. Review status: criteria provided, single submitter. Criteria: ACMG Guidelines, 2015. Collection method: clinical testing. Allele origin: germline.

GeneDx
Classification: Uncertain significance. Last evaluated: 2017-10-31. Review status: criteria provided, single submitter. Criteria: GeneDx Variant Classification (06012015). Collection method: clinical testing. Allele origin: germline. Affected: yes.
Comment: The S328I variant in the AHI1 gene has not been reported previously as a pathogenic variant, nor as a benign variant, to our knowledge. The S328I variant is observed in 26/30780 (0.084%) alleles from individuals of South Asian background, in large population cohorts (Lek et al., 2016). The S328I variant is a non-conservative amino acid substitution, which is likely to impact secondary protein structure as these residues differ in polarity, charge, size and/or other properties. This substitution occurs at a position that is not conserved. In silico analysis is inconsistent in its predictions as to whether or not the variant is damaging to the protein structure/function. We interpret S328I as a variant of uncertain significance.

Genetic Services Laboratory, University of Chicago
Classification: Uncertain significance. Last evaluated: 2016-10-04. Review status: criteria provided, single submitter. Criteria: ACMG Guidelines, 2015. Collection method: clinical testing. Allele origin: germline. Affected: no.

NM_001134831.2(AHI1):c.983G>T (p.Ser328Ile)

Gene: AHI1 (Abelson helper integration site 1; minus strand). Cytogenetic location: 6q23.3.
Variant type: single nucleotide variant.
Coding change: c.983G>T on transcript NM_001134831.2 (MANE Select); coding-DNA position 983, G replaced by T.
Protein change: p.Ser328Ile; replaces serine 328 with isoleucine.
Molecular consequence: missense variant.
Genome position (GRCh38, 1-based): chr6:135,457,662, C>A on the plus strand (G>T on the coding strand, the complement: AHI1 is on the minus strand). VCF-style: chr6-135457662-C-A. GRCh37 (hg19) VCF-style: chr6-135778800-C-A.
Other names: c.983G>T, p.Ser328Ile (NM_001134830.2, NM_001134832.2, NM_001350503.2 and 2 more transcripts); short protein forms S328I.
Identifiers: ClinVar variation 434112 (VCV000434112.13), dbSNP rs777420094, ClinGen allele CA4012695.